The following is an entry in ClinVar:

NM_000138.5(FBN1):c.3573T>A (p.Asp1191Glu)

Gene: FBN1 (fibrillin 1; minus strand). Cytogenetic location: 15q21.1.
Variant type: single nucleotide variant.
Coding change: c.3573T>A on transcript NM_000138.5 (MANE Select); coding-DNA position 3573, T replaced by A.
Protein change: p.Asp1191Glu; replaces aspartic acid 1191 with glutamic acid.
Molecular consequence: missense variant.
Genome position (GRCh38, 1-based): chr15:48,487,091, A>T on the plus strand (T>A on the coding strand, the complement: FBN1 is on the minus strand). VCF-style: chr15-48487091-A-T. GRCh37 (hg19) VCF-style: chr15-48779288-A-T.
Other names: short protein forms D1191E.
Identifiers: ClinVar variation 495595 (VCV000495595.5), dbSNP rs150912619, ClinGen allele CA051100.

ClinVar aggregate classification (germline): Uncertain significance. Review status: criteria provided, multiple submitters, no conflicts (2 of 4 stars). 4 submissions from 4 submitters: Uncertain significance (4). Last evaluated 2025-05-08.

Conditions:
Marfan syndrome (MFS). Also called: MARFAN SYNDROME, TYPE I; FBN1-Related Marfan Syndrome; Marfan syndrome type 1; Marfan's syndrome; Marfan syndrome, classic. Identifiers: Orphanet 284963, Orphanet 558, MedGen C0024796, MONDO:0007947, OMIM 154700.
Familial thoracic aortic aneurysm and aortic dissection (TAAD). Also called: Thoracic aortic aneurysms and dissections. Identifiers: Orphanet 91387, MedGen C4707243, MONDO:0019625.

Allele frequency attached by ClinVar (database versions not stated): gnomAD exomes below 0.00001; gnomAD 0.00001; ESP Exome Variant Server 0.00008; TOPMed below 0.00001; ExAC 0.00001.
gnomAD v4.1: 4 of 1,613,528 alleles (0.00025%); highest among the groups gnomAD compares: African/African-American, 0.0013%; no homozygotes.

Submissions (4):

Ambry Genetics
Classification: Uncertain significance for Familial thoracic aortic aneurysm and aortic dissection. Last evaluated: 2025-05-08. Review status: criteria provided, single submitter. Criteria: Ambry Variant Classification Scheme 2023. Collection method: clinical testing. Allele origin: germline.
Comment: The p.D1191E variant (also known as c.3573T>A), located in coding exon 28 of the FBN1 gene, results from a T to A substitution at nucleotide position 3573. The aspartic acid at codon 1191 is replaced by glutamic acid, an amino acid with highly similar properties. This amino acid position is well conserved in available vertebrate species. In addition, the in silico prediction for this alteration is inconclusive. Based on the available evidence, the clinical significance of this variant remains unclear.

Labcorp Genetics (formerly Invitae), Labcorp
Classification: Uncertain significance for Marfan syndrome; Familial thoracic aortic aneurysm and aortic dissection. Last evaluated: 2024-12-23. Review status: criteria provided, single submitter. Criteria: Invitae Variant Classification Sherloc (09022015). Collection method: clinical testing. Allele origin: germline.
Comment: This sequence change replaces aspartic acid, which is acidic and polar, with glutamic acid, which is acidic and polar, at codon 1191 of the FBN1 protein (p.Asp1191Glu). This variant is not present in population databases (gnomAD no frequency). This variant has not been reported in the literature in individuals affected with FBN1-related conditions. ClinVar contains an entry for this variant (Variation ID: 495595). Invitae Evidence Modeling of protein sequence and biophysical properties (such as structural, functional, and spatial information, amino acid conservation, physicochemical variation, residue mobility, and thermodynamic stability) has been performed for this missense variant. However, the output from this modeling did not meet the statistical confidence thresholds required to predict the impact of this variant on FBN1 protein function. In summary, the available evidence is currently insufficient to determine the role of this variant in disease. Therefore, it has been classified as a Variant of Uncertain Significance.

All of Us Research Program, National Institutes of Health
Classification: Uncertain significance for Marfan syndrome. Last evaluated: 2023-02-24. Review status: criteria provided, single submitter. Criteria: ACMG Guidelines, 2015. Collection method: clinical testing. Allele origin: germline. Inheritance: Autosomal dominant inheritance. Observed: 1 variant allele, 1 heterozygote.
Comment: This missense variant replaces aspartic acid with glutamic acid at codon 1191 of the FBN1 protein. Computational prediction is inconclusive regarding the impact of this variant on protein structure and function (internally defined REVEL score threshold 0.5 < inconclusive < 0.7, PMID: 27666373). To our knowledge, functional studies have not been reported for this variant. This variant has not been reported in individuals affected with FBN1-related disorders in the literature. This variant has been identified in 1/251184 chromosomes in the general population by the Genome Aggregation Database (gnomAD). The available evidence is insufficient to determine the role of this variant in disease conclusively. Therefore, this variant is classified as a Variant of Uncertain Significance.

This study involves interpretation of variants in research participants for the purpose of population health screening. Participant phenotype was not available at the time of variant classification. Additional details can be found in publication PMID: 35346344, PMCID: PMC8962531

Women's Health and Genetics/Laboratory Corporation of America, LabCorp
Classification: Uncertain significance. Last evaluated: 2016-04-20. Review status: criteria provided, single submitter. Criteria: LabCorp Variant Classification Summary - May 2015. Collection method: clinical testing. Allele origin: germline.
Comment: Variant summary: Variant affects a non-conserved nucleotide and results in a replacement of a Aspartic acid (D) with a medium size and acidic Glutamic acid (E). Both residues are medium size and acidic, therefore this Aspartic acid to Glutamic acid substitution likely does not alter the physico-chemical properties of the protein. 3/4 in silico tools predict the variant to be neutral. It was observed in the large and broad cohorts of the ExAC project at an allele frequency of 0.00084% which does not exceed the maximal allele frequency of a disease causing FBN1 allele (0.01%) to exclude pathogenicity. To our knowledge, the variant has not been reported in affected patients and in vitro/vivo studies to assess the functional impact of the variant were not published either. Due to the lack of clinical and functional data, the variant was classified as a variant of uncertain significance until more information becomes available.